The following is an entry in ClinVar:

NM_000170.3(GLDC):c.258C>T (p.Ser86=)

Gene: GLDC (glycine decarboxylase; minus strand). Cytogenetic location: 9p24.1.
Variant type: single nucleotide variant.
Coding change: c.258C>T on transcript NM_000170.3 (MANE Select); coding-DNA position 258, C replaced by T.
Protein change: p.Ser86=; no amino-acid change (serine 86 retained).
Molecular consequence: synonymous variant.
Genome position (GRCh38, 1-based): chr9:6,644,690, G>A on the plus strand (C>T on the coding strand, the complement: GLDC is on the minus strand). VCF-style: chr9-6644690-G-A. GRCh37 (hg19) VCF-style: chr9-6644690-G-A.
Identifiers: ClinVar variation 728346 (VCV000728346.52), dbSNP rs562000292, ClinGen allele CA4981229.

ClinVar aggregate classification (germline): Likely benign. Review status: criteria provided, multiple submitters, no conflicts (2 of 4 stars). 5 submissions from 5 submitters: Likely benign (4). 1 of the submissions does not count toward it. Last evaluated 2026-01-31.

Conditions:
Glycine encephalopathy. Also called: Nonketotic hyperglycinemia; Non-ketotic hyperglycinemia. Identifiers: Orphanet 407, MedGen C0751748, MONDO:0011612, HP:0008288.

Allele frequency attached by ClinVar (database versions not stated): gnomAD 0.00006 and 0.00012; gnomAD exomes 0.00009 and 0.00017; TOPMed 0.00012; ExAC 0.00017; 1000 Genomes Project 30x 0.00031; 1000 Genomes Project 0.00040.
gnomAD v4.1: 152 of 1,609,512 alleles (0.0094%); highest among the groups gnomAD compares: East Asian, 0.17%; no homozygotes.

Submissions (5):

Labcorp Genetics (formerly Invitae), Labcorp
Classification: Likely benign for Glycine encephalopathy. Last evaluated: 2026-01-31. Review status: criteria provided, single submitter. Criteria: Invitae Variant Classification Sherloc (09022015). Collection method: clinical testing. Allele origin: germline.

Blueprint Genetics
Classification: Likely benign. Last evaluated: 2024-08-12. Review status: criteria provided, single submitter. Criteria: ACMG Guidelines, 2015. Collection method: clinical testing. Allele origin: germline.

CeGaT Center for Human Genetics Tuebingen
Classification: Likely benign. Last evaluated: 2023-01-01. Review status: criteria provided, single submitter. Criteria: CeGaT Center For Human Genetics Tuebingen Variant Classification Criteria Version 2. Collection method: clinical testing. Allele origin: germline. Affected: yes. Observed: 2 variant alleles.
Comment: GLDC: BP4, BP7

GeneDx
Classification: Likely benign. Last evaluated: 2019-05-31. Review status: criteria provided, single submitter. Criteria: GeneDx Variant Classification Process June 2021. Collection method: clinical testing. Allele origin: germline. Affected: yes.

Natera, Inc.
Classification: Uncertain significance for Non-ketotic hyperglycinemia. Last evaluated: 2020-01-24. Review status: no assertion criteria provided. Collection method: clinical testing. Allele origin: germline. Not counted in ClinVar's aggregate classification.